The following is an entry in ClinVar:

ClinVar aggregate classification (germline): Uncertain significance (1 of 4 stars; one submission).

Submission:

GeneDx
Classification: Uncertain significance. Last evaluated: 2026-04-16. Review status: criteria provided, single submitter. Criteria: GeneDx Variant Classification Process June 2021. Collection method: clinical testing. Allele origin: germline.
Comment: Not observed at significant frequency in large population cohorts (gnomAD); Nonsense variant predicted to result in protein truncation or nonsense mediated decay in a gene or region of a gene for which loss of function is not a well-established mechanism of disease; Has not been previously published as pathogenic or benign to our knowledge

NM_032188.3(KAT8):c.148G>T (p.Glu50Ter)

Gene: KAT8 (lysine acetyltransferase 8; plus strand). Cytogenetic location: 16p11.2.
Variant type: single nucleotide variant.
Coding change: c.148G>T on transcript NM_032188.3 (MANE Select); coding-DNA position 148, G replaced by T.
Protein change: p.Glu50Ter; replaces glutamic acid 50 with a stop codon.
Molecular consequence: nonsense.
Genome position (GRCh38, 1-based): chr16:31,117,829, G>T. VCF-style: chr16-31117829-G-T. GRCh37 (hg19) VCF-style: chr16-31129150-G-T.
Other names: c.148G>T, p.Glu50Ter (NM_182958.4); short protein forms E50*.
Identifiers: ClinVar variation 5037333 (VCV005037333.1).